The following is an entry in ClinVar:

ClinVar aggregate classification (germline): Likely pathogenic (1 of 4 stars; one submission).

Conditions:
Hereditary breast ovarian cancer syndrome. Also called: Hereditary breast and ovarian cancer; Hereditary breast and/or ovarian cancer syndrome; Breast and ovarian cancer; BRCA1- and BRCA2-Associated Hereditary Breast and Ovarian Cancer; Hereditary breast and ovarian cancer syndrome; Hereditary breast and ovarian cancer syndrome (HBOC). Identifiers: Orphanet 145, MedGen C0677776, MeSH D061325, MONDO:0003582. Disease mechanism: loss of function.

Submission:

Labcorp Genetics (formerly Invitae), Labcorp
Classification: Likely pathogenic for Hereditary breast ovarian cancer syndrome. Last evaluated: 2022-02-06. Review status: criteria provided, single submitter. Criteria: Invitae Variant Classification Sherloc (09022015). Collection method: clinical testing. Allele origin: germline.
Comment: In summary, the currently available evidence indicates that the variant is pathogenic, but additional data are needed to prove that conclusively. Therefore, this variant has been classified as Likely Pathogenic. This variant has not been reported in the literature in individuals affected with BRCA1-related conditions. This variant results in the deletion of exon 13 and part of exon 14 (c.4358-1528_4492del) of the BRCA1 gene. It is expected to disrupt RNA splicing. Variants that disrupt the donor or acceptor splice site typically lead to a loss of protein function (PMID: 16199547), and loss-of-function variants in BRCA1 are known to be pathogenic (PMID: 20104584).

Literature cited by the submitters: PubMed 16199547; PubMed 20104584.

NC_000017.10:g.(?_41226531)_(41230159_?)del

Gene: BRCA1 (BRCA1 DNA repair associated; minus strand). Cytogenetic location: 17q21.31.
Variant type: Deletion.
Identifiers: ClinVar variation 1348573 (VCV001348573.8).